The following is an entry in ClinVar:

ClinVar aggregate classification (germline): Uncertain significance (1 of 4 stars; one submission).

Allele frequency attached by ClinVar (database versions not stated): TOPMed 0.00003; gnomAD 0.00004; ExAC 0.00008; ESP Exome Variant Server 0.00008.
gnomAD v4.1: 50 of 1,613,940 alleles (0.0031%); highest among the groups gnomAD compares: East Asian, 0.022%; no homozygotes.

Submission:

Labcorp Genetics (formerly Invitae), Labcorp
Classification: Uncertain significance. Last evaluated: 2024-01-29. Review status: criteria provided, single submitter. Criteria: Invitae Variant Classification Sherloc (09022015). Collection method: clinical testing. Allele origin: germline.
Comment: This sequence change replaces serine, which is neutral and polar, with leucine, which is neutral and non-polar, at codon 437 of the POC5 protein (p.Ser437Leu). This variant is present in population databases (rs377610817, gnomAD 0.04%). This variant has not been reported in the literature in individuals affected with POC5-related conditions. ClinVar contains an entry for this variant (Variation ID: 2416418). Algorithms developed to predict the effect of missense changes on protein structure and function output the following: SIFT: "Not Available"; PolyPhen-2: "Probably Damaging"; Align-GVGD: "Not Available". The leucine amino acid residue is found in multiple mammalian species, which suggests that this missense change does not adversely affect protein function. In summary, the available evidence is currently insufficient to determine the role of this variant in disease. Therefore, it has been classified as a Variant of Uncertain Significance.

NM_001099271.2(POC5):c.1310C>T (p.Ser437Leu)

Gene: POC5 (POC5 centriolar protein; minus strand). Cytogenetic location: 5q13.3.
Variant type: single nucleotide variant.
Coding change: c.1310C>T on transcript NM_001099271.2 (MANE Select); coding-DNA position 1310, C replaced by T.
Protein change: p.Ser437Leu; replaces serine 437 with leucine.
Molecular consequence: missense variant.
Genome position (GRCh38, 1-based): chr5:75,685,304, G>A on the plus strand (C>T on the coding strand, the complement: POC5 is on the minus strand). VCF-style: chr5-75685304-G-A. GRCh37 (hg19) VCF-style: chr5-74981129-G-A.
Other names: c.1235C>T, p.Ser412Leu (NM_152408.3); short protein forms S412L, S437L.
Identifiers: ClinVar variation 2416418 (VCV002416418.6), dbSNP rs377610817, ClinGen allele CA3310347.